The following is an entry in ClinVar:

NM_017934.7(PHIP):c.1838G>A (p.Arg613Lys)

Gene: PHIP (PHIP subunit of CUL4-Ring ligase complex; minus strand). Cytogenetic location: 6q14.1.
Variant type: single nucleotide variant.
Coding change: c.1838G>A on transcript NM_017934.7 (MANE Select); coding-DNA position 1838, G replaced by A.
Protein change: p.Arg613Lys; replaces arginine 613 with lysine.
Molecular consequence: missense variant.
Genome position (GRCh38, 1-based): chr6:79,001,940, C>T on the plus strand (G>A on the coding strand, the complement: PHIP is on the minus strand). VCF-style: chr6-79001940-C-T. GRCh37 (hg19) VCF-style: chr6-79711657-C-T.
Other names: short protein forms R613K.
Identifiers: ClinVar variation 2656721 (VCV002656721.24), dbSNP rs1218259040, ClinGen allele CA364631309.
Genomic context (GRCh38, chr6:79,001,940, plus strand): 5'-TAAGAAAATGAGCACCTACCTGAGGAAGTTACTCCCATCTGAGGGATGAGTTGCTCCTCC[C>T]TGCAATTTTCACGGCCAGGAACTAATCTTTGATATCTTGATGGATGAGGGTTACCATCAA-3'
Protein context (NP_060404.4, residues 603-623): QRLVPGRENC[Arg613Lys]EEQLIPQMGV

ClinVar aggregate classification (germline): Uncertain significance (1 of 4 stars; one submission).

Allele frequency attached by ClinVar (database versions not stated): TOPMed below 0.00001; gnomAD 0.00001.
gnomAD v4.1: 5 of 1,612,968 alleles (0.00031%); highest among the groups gnomAD compares: Non-Finnish European, 0.00042%; no homozygotes.

Submission:

CeGaT Center for Human Genetics Tuebingen
Classification: Uncertain significance. Last evaluated: 2023-01-01. Review status: criteria provided, single submitter. Criteria: CeGaT Center For Human Genetics Tuebingen Variant Classification Criteria Version 2. Collection method: clinical testing. Allele origin: germline. Affected: yes. Observed: 1 variant allele.
Comment: PHIP: PM2, PP2